The following is an entry in ClinVar:

NM_000059.4(BRCA2):c.7559G>A (p.Arg2520Gln)

Gene: BRCA2 (BRCA2 DNA repair associated; plus strand). Cytogenetic location: 13q13.1.
Variant type: single nucleotide variant.
Coding change: c.7559G>A on transcript NM_000059.4 (MANE Select); coding-DNA position 7559, G replaced by A.
Protein change: p.Arg2520Gln; replaces arginine 2520 with glutamine.
Molecular consequence: missense variant.
Genome position (GRCh38, 1-based): chr13:32,356,551, G>A. VCF-style: chr13-32356551-G-A. GRCh37 (hg19) VCF-style: chr13-32930688-G-A.
Other names: p.R2520Q:CGA>CAA; 7787G>A; short protein forms R2520Q.
Identifiers: ClinVar variation 96853 (VCV000096853.32), dbSNP rs80358982, ClinGen allele CA025147.
Genomic context (GRCh38, chr13:32,356,551, plus strand): 5'-GGCAACGCGTCTTTCCACAGCCAGGCAGTCTGTATCTTGCAAAAACATCCACTCTGCCTC[G>A]AATCTCTCTGAAAGCAGCAGTAGGAGGCCAAGTTCCCTCTGCGTGTTCTCATAAACAGGT-3'
Protein context (NP_000050.3, residues 2510-2530): LYLAKTSTLP[Arg2520Gln]ISLKAAVGGQ

ClinVar aggregate classification (germline): Likely benign. Review status: criteria provided, multiple submitters, no conflicts (2 of 4 stars). 11 submissions from 11 submitters: Likely benign (7). 4 of the submissions do not count toward it. Last evaluated 2026-02-03.

Conditions:
BRCA2-related cancer predisposition. Identifiers: MedGen CN377758, MONDO:0700269.
Hereditary cancer-predisposing syndrome. Also called: Tumor predisposition; Neoplastic Syndromes, Hereditary; Hereditary Cancer Syndrome; Hereditary neoplastic syndrome. Identifiers: Orphanet 140162, MedGen C0027672, MeSH D009386, MONDO:0015356.
Hereditary breast ovarian cancer syndrome. Also called: Hereditary breast and ovarian cancer; Breast and ovarian cancer; Hereditary breast and ovarian cancer syndrome; Hereditary breast and/or ovarian cancer syndrome; Hereditary breast and ovarian cancer syndrome (HBOC); BRCA1- and BRCA2-Associated Hereditary Breast and Ovarian Cancer. Identifiers: Orphanet 145, MedGen C0677776, MeSH D061325, MONDO:0003582. Disease mechanism: loss of function.
Breast-ovarian cancer, familial, susceptibility to, 2 (BROVCA2). Also called: BRCA2 Hereditary Breast and Ovarian Cancer. Identifiers: Orphanet 145, MedGen C2675520, MONDO:0012933, OMIM 612555. Disease mechanism: loss of function.
Malignant tumor of breast. Also called: Cancer breast; Malignant breast neoplasm. Identifiers: MedGen C0006142, MONDO:0007254. Disease mechanism: loss of function.

Allele frequency attached by ClinVar (database versions not stated): gnomAD 0.00002; gnomAD exomes 0.00004; TOPMed 0.00005.
gnomAD v4.1: 22 of 1,614,034 alleles (0.0014%); highest among the groups gnomAD compares: African/African-American, 0.011%; no homozygotes.

Submissions (11):

Women's Health and Genetics/Laboratory Corporation of America, LabCorp
Classification: Likely benign. Last evaluated: 2026-02-03. Review status: criteria provided, single submitter. Criteria: LabCorp Variant Classification Summary - May 2015. Collection method: clinical testing. Allele origin: germline.
Comment: Variant summary: BRCA2 c.7559G>A (p.Arg2520Gln) results in a conservative amino acid change in the encoded protein sequence. Algorithms developed to predict the effect of missense changes on protein structure and function are either unavailable or do not agree on the potential impact of this missense change. Consensus agreement among computation tools predict no significant impact on normal splicing. However, these predictions have yet to be confirmed by functional studies. The variant allele was found at a frequency of 3.6e-05 in 251114 control chromosomes. The available data on variant occurrences in the general population are insufficient to allow any conclusion about variant significance. c.7559G>A has been observed in individuals affected with breast cancer (example: Pal_2013 and Rodrguez-Balada_ 2019). These reports do not provide unequivocal conclusions about association of the variant with Hereditary Breast And Ovarian Cancer Syndrome. At least one functional study reports experimental evidence evaluating an impact on protein function and showed no damaging effect of this variant on homology directed repair (HDR) activity (e.g. Farrugia_2008, Hu_2022). HDR assays qualify as a recognized gold standard on the basis of updated guidance provided by the ClinGen Sequence Variant Interpretation (SVI) working group. The following publications have been ascertained in the context of this evaluation (PMID: 19043619, 18451181, 22505045, 35736817, 23320992, 31786208). ClinVar contains an entry for this variant (Variation ID: 96853). Based on the evidence outlined above, the variant was classified as likely benign.

Labcorp Genetics (formerly Invitae), Labcorp
Classification: Likely benign for Hereditary breast ovarian cancer syndrome. Last evaluated: 2025-12-24. Review status: criteria provided, single submitter. Criteria: Invitae Variant Classification Sherloc (09022015). Collection method: clinical testing. Allele origin: germline.

Quest Diagnostics Nichols Institute San Juan Capistrano
Classification: Likely benign. Last evaluated: 2025-01-03. Review status: criteria provided, single submitter. Criteria: Quest Diagnostics criteria. Collection method: clinical testing. Allele origin: unknown.

All of Us Research Program, National Institutes of Health
Classification: Likely benign for BRCA2-related cancer predisposition. Last evaluated: 2024-05-30. Review status: criteria provided, single submitter. Criteria: ACMG Guidelines, 2015. Collection method: clinical testing. Allele origin: germline. Inheritance: Autosomal dominant inheritance. Observed: 10 variant alleles, 10 heterozygotes.
Comment: This study involves interpretation of variants in research participants for the purpose of population health screening. Participant phenotype was not available at the time of variant classification. Additional details can be found in publication PMID: 35346344, PMCID: PMC8962531

GeneDx
Classification: Likely benign. Last evaluated: 2019-08-09. Review status: criteria provided, single submitter. Criteria: GeneDx Variant Classification Process June 2021. Collection method: clinical testing. Allele origin: germline. Affected: yes.
Comment: This variant is associated with the following publications: (PMID: 25447315, 24323938, 19043619, 18451181, 28591715)

Ambry Genetics
Classification: Likely benign for Hereditary cancer-predisposing syndrome. Last evaluated: 2018-04-19. Review status: criteria provided, single submitter. Criteria: Ambry Variant Classification Scheme 2023. Collection method: clinical testing. Allele origin: germline.

Color Diagnostics, LLC DBA Color Health
Classification: Likely benign for Hereditary cancer-predisposing syndrome. Last evaluated: 2017-10-27. Review status: criteria provided, single submitter. Criteria: ACMG Guidelines, 2015. Collection method: clinical testing. Allele origin: germline.

Counsyl
Classification: Uncertain significance for Breast-ovarian cancer, familial, susceptibility to, 2. Last evaluated: 2016-08-17. Review status: no assertion criteria provided. Collection method: clinical testing. Allele origin: unknown. Not counted in ClinVar's aggregate classification.

Sharing Clinical Reports Project (SCRP)
Classification: Benign for Breast-ovarian cancer, familial 2. Last evaluated: 2014-02-20. Review status: no assertion criteria provided. Collection method: clinical testing. Allele origin: germline. Not counted in ClinVar's aggregate classification.

Breast Cancer Information Core (BIC) (BRCA2)
Classification: Uncertain significance for Breast-ovarian cancer, familial 2. Last evaluated: 2004-02-20. Review status: no assertion criteria provided. Collection method: clinical testing. Allele origin: germline. Affected: yes. Observed: 2 variant alleles. Not counted in ClinVar's aggregate classification.

Department of Pathology and Laboratory Medicine, Sinai Health System
Classification: Uncertain significance for Malignant tumor of breast. Review status: no assertion criteria provided. Collection method: clinical testing. Allele origin: unknown. Affected: yes. Observed: 1 variant allele. Study: The Canadian Open Genetics Repository (COGR). Not counted in ClinVar's aggregate classification.
Comment: The p.Arg2520Gln variant was identified in dbSNP (ID: rs80358982), LOVD, COSMIC, the ClinVar database (classified as a benign variant by the Sharing Clinical Reports Project, derived from Myriad reports), the BIC database (2X with unknown clinical importance), and UMD (1X as a UV variant).The p.Arg2520 residue is conserved across mammals and lower organisms, and four out of five computational analyses (PolyPhen-2, SIFT, AlignGVGD, BLOSUM, MutationTaster) suggest that the p.Arg2520 variant may impact the protein. However, this information is not predictive enough to assume pathogenicity. A functional study by Farrugia (2008) suggested that the variant occurs at an evolutionarily conserved residue and classified the variant as a VUS. This variant displayed substantial increases in homology-directed recombination repair (HDR) activity and maintained the background level of centriole and centrosome amplification found in wild-type cells. Another functional study by Karchin (2008) demonstrated protein likelihood ratio of the variant in favor of protein loss of function and suggested uncertain prediction. In summary, based on the above information, the clinical significance of this variant cannot be determined with certainty at this time. This variant is classified as a variant of unknown significance.

Literature cited by the submitters: PubMed 18451181 (cited by 4 submitters); PubMed 19043619 (cited by 4 submitters); PubMed 22505045 (cited by Women's Health and Genetics/Laboratory Corporation of America, LabCorp and Counsyl); PubMed 23320992 (cited by Women's Health and Genetics/Laboratory Corporation of America, LabCorp and Quest Diagnostics Nichols Institute San Juan Capistrano); PubMed 31786208 (cited by Women's Health and Genetics/Laboratory Corporation of America, LabCorp and Quest Diagnostics Nichols Institute San Juan Capistrano); PubMed 35736817 (cited by Women's Health and Genetics/Laboratory Corporation of America, LabCorp and Quest Diagnostics Nichols Institute San Juan Capistrano); PubMed 24323938 (cited by Quest Diagnostics Nichols Institute San Juan Capistrano); PubMed 28591715 (cited by Quest Diagnostics Nichols Institute San Juan Capistrano); PubMed 25447315 (cited by Quest Diagnostics Nichols Institute San Juan Capistrano); PubMed 29625052 (cited by Quest Diagnostics Nichols Institute San Juan Capistrano); PubMed 30630528 (cited by Quest Diagnostics Nichols Institute San Juan Capistrano); PubMed 32832836 (cited by Quest Diagnostics Nichols Institute San Juan Capistrano); PubMed 31911673 (cited by Quest Diagnostics Nichols Institute San Juan Capistrano); PubMed 24817641 (cited by Counsyl); PubMed 25348012 (cited by Counsyl).